The following is an entry in ClinVar:

NM_014140.4(SMARCAL1):c.1850G>A (p.Arg617Gln)

Gene: SMARCAL1 (SNF2 related chromatin remodeling annealing helicase 1; plus strand). Cytogenetic location: 2q35.
Variant type: single nucleotide variant.
Coding change: c.1850G>A on transcript NM_014140.4 (MANE Select); coding-DNA position 1850, G replaced by A.
Protein change: p.Arg617Gln; replaces arginine 617 with glutamine.
Molecular consequence: missense variant.
Genome position (GRCh38, 1-based): chr2:216,447,157, G>A. VCF-style: chr2-216447157-G-A. GRCh37 (hg19) VCF-style: chr2-217311880-G-A.
Other names: c.1850G>A, p.Arg617Gln (NM_001127207.2); short protein forms R617Q.
Identifiers: ClinVar variation 1402943 (VCV001402943.5), dbSNP rs199805996, ClinGen allele CA65606260.

ClinVar aggregate classification (germline): Uncertain significance (1 of 4 stars; one submission).

Conditions:
Schimke immuno-osseous dysplasia (SIOD). Also called: Schimke Immunoosseous Dysplasia. Identifiers: Orphanet 1830, MedGen C0877024, MONDO:0009458, OMIM 242900.

gnomAD v4.1: 5 of 1,613,920 alleles (0.00031%); highest among the groups gnomAD compares: African/African-American, 0.0027%; no homozygotes.

Submission:

Labcorp Genetics (formerly Invitae), Labcorp
Classification: Uncertain significance for Schimke immuno-osseous dysplasia. Last evaluated: 2022-05-25. Review status: criteria provided, single submitter. Criteria: Invitae Variant Classification Sherloc (09022015). Collection method: clinical testing. Allele origin: germline.
Comment: This sequence change replaces arginine, which is basic and polar, with glutamine, which is neutral and polar, at codon 617 of the SMARCAL1 protein (p.Arg617Gln). This variant is present in population databases (no rsID available, gnomAD 0.007%). This variant has not been reported in the literature in individuals affected with SMARCAL1-related conditions. Algorithms developed to predict the effect of missense changes on protein structure and function output the following: SIFT: "Tolerated"; PolyPhen-2: "Benign"; Align-GVGD: "Class C0". The glutamine amino acid residue is found in multiple mammalian species, which suggests that this missense change does not adversely affect protein function. Algorithms developed to predict the effect of sequence changes on RNA splicing suggest that this variant may create or strengthen a splice site. In summary, the available evidence is currently insufficient to determine the role of this variant in disease. Therefore, it has been classified as a Variant of Uncertain Significance.